The following is an entry in ClinVar:

NM_001040108.2(MLH3):c.979_980del (p.Leu327fs)

Gene: MLH3 (mutL homolog 3; minus strand). Cytogenetic location: 14q24.3.
Variant type: Microsatellite.
Coding change: c.979_980del on transcript NM_001040108.2 (MANE Select); coding-DNA positions 979 to 980, 2 bases deleted (CT; older notation c.979_980delCT).
Protein change: p.Leu327fs; shifts the reading frame from leucine 327.
Molecular consequence: frameshift variant.
Genome position (GRCh38, 1-based): chr14:75,048,676-75,048,677, AG deleted on the plus strand (CT on the coding strand, the reverse complement: MLH3 is on the minus strand); deleting any 2 consecutive bases within chr14:75,048,676-75,048,679 gives the same sequence; the c. name uses the placement nearest the transcript's 3' end. VCF-style (leftmost placement, unchanged base first): chr14-75048675-CAG-C. GRCh37 (hg19) VCF-style: chr14-75515378-CAG-C.
Other names: c.979_980del, p.Leu327fs (NM_014381.3); short protein forms L327fs.
Identifiers: ClinVar variation 3873448 (VCV003873448.3), dbSNP rs1483852500.
Genomic context (GRCh38, chr14:75,048,675, plus strand): 5'-AAACATTTTCACTCCTTCCTGAATGCAAAACAAGAGAGTGTCCCAGTTCTGAAATTCAAT[CAG>C]AGTTTTGGCTGGCTCCATGCACACATCATACTCACAGAATTGGCACTGCACATTAATTAC-3'

ClinVar aggregate classification (germline): Pathogenic. Review status: criteria provided, multiple submitters, no conflicts (2 of 4 stars). 2 submissions from 2 submitters: Pathogenic (2). Last evaluated 2026-05-26.

Conditions:
Colorectal cancer, hereditary nonpolyposis, type 7. Identifiers: Orphanet 144, MedGen C1858380, MONDO:0013725, OMIM 614385.

Submissions (2):

Ambry Genetics
Classification: Pathogenic. Last evaluated: 2026-05-26. Review status: criteria provided, single submitter. Criteria: Ambry Variant Classification Scheme 2023. Collection method: clinical testing. Allele origin: germline.
Comment: The c.979_980delCT pathogenic mutation, located in coding exon 1 of the MLH3 gene, results from a deletion of two nucleotides at nucleotide positions 979 to 980, causing a translational frameshift with a predicted alternate stop codon (p.L327Dfs*2). This alteration is expected to result in loss of function by premature protein truncation or nonsense-mediated mRNA decay. As such, this alteration is interpreted as a disease-causing mutation.

Myriad Genetics, Inc.
Classification: Pathogenic for Colorectal cancer, hereditary nonpolyposis, type 7. Last evaluated: 2026-04-21. Review status: criteria provided, single submitter. Criteria: Myriad Autosomal Dominant, Autosomal Recessive and X-Linked Classification Criteria (2023). Collection method: clinical testing. Allele origin: unknown.
Comment: This variant is considered pathogenic. This variant creates a frameshift predicted to result in premature protein truncation.